The following is an entry in ClinVar:

NM_024027.5(COLEC11):c.137C>T (p.Ala46Val)

Gene: COLEC11 (collectin subfamily member 11; plus strand). Cytogenetic location: 2p25.3.
Variant type: single nucleotide variant.
Coding change: c.137C>T on transcript NM_024027.5 (MANE Select); coding-DNA position 137, C replaced by T.
Protein change: p.Ala46Val; replaces alanine 46 with valine.
Molecular consequence: missense variant. On other transcripts: non-coding transcript variant (1), intron variant (4).
Genome position (GRCh38, 1-based): chr2:3,613,317, C>T. VCF-style: chr2-3613317-C-T. GRCh37 (hg19) VCF-style: chr2-3660907-C-T.
Other names: c.49C>T, p.Arg17Trp (NM_199235.3); c.130+8847C>T (NM_001255982.2, NM_001255984.2); c.52+7074C>T (NM_001255987.1, NM_001255989.1); c.137C>T, p.Ala46Val (NM_001255983.2); c.179C>T, p.Ala60Val (NM_001255985.1); c.59C>T, p.Ala20Val (NM_001255986.1, NM_001255988.1); short protein forms R17W, A20V, A46V, A60V.
Identifiers: ClinVar variation 2194215 (VCV002194215.5), dbSNP rs767854958, ClinGen allele CA1516866.

ClinVar aggregate classification (germline): Uncertain significance (1 of 4 stars; one submission).

Allele frequency attached by ClinVar (database versions not stated): gnomAD exomes 0.00004; ExAC 0.00005; gnomAD 0.00008; TOPMed 0.00008.
gnomAD v4.1: 68 of 1,609,066 alleles (0.0042%); highest among the groups gnomAD compares: Admixed American, 0.027%; no homozygotes.

Submissions (2):

Labcorp Genetics (formerly Invitae), Labcorp
Classification: Uncertain significance. Last evaluated: 2022-08-06. Review status: criteria provided, single submitter. Criteria: Invitae Variant Classification Sherloc (09022015). Collection method: clinical testing. Allele origin: germline.
Comment: In summary, the available evidence is currently insufficient to determine the role of this variant in disease. Therefore, it has been classified as a Variant of Uncertain Significance. Algorithms developed to predict the effect of missense changes on protein structure and function output the following: SIFT: "Tolerated"; PolyPhen-2: "Benign"; Align-GVGD: "Class C0". The valine amino acid residue is found in multiple mammalian species, which suggests that this missense change does not adversely affect protein function. This variant has not been reported in the literature in individuals affected with COLEC11-related conditions. The frequency data for this variant in the population databases is considered unreliable, as metrics indicate poor data quality at this position in the gnomAD database. This sequence change replaces alanine, which is neutral and non-polar, with valine, which is neutral and non-polar, at codon 46 of the COLEC11 protein (p.Ala46Val).

Dr. Peter K. Rogan Lab, Western University
No classification provided (evidence only). Condition: Thyroid cancer, nonmedullary, 1. Review status: no classification provided. Collection method: in vitro. Allele origin: not applicable. Functional consequence: retained intron. Not counted in ClinVar's aggregate classification.